The following is an entry in ClinVar:

NM_198576.4(AGRN):c.1540G>A (p.Glu514Lys)

Gene: AGRN (agrin; plus strand). Cytogenetic location: 1p36.33.
Variant type: single nucleotide variant.
Coding change: c.1540G>A on transcript NM_198576.4 (MANE Select); coding-DNA position 1540, G replaced by A.
Protein change: p.Glu514Lys; replaces glutamic acid 514 with lysine.
Molecular consequence: missense variant.
Genome position (GRCh38, 1-based): chr1:1,043,394, G>A. VCF-style: chr1-1043394-G-A. GRCh37 (hg19) VCF-style: chr1-978774-G-A.
Other names: c.1540G>A, p.Glu514Lys (NM_001305275.2); c.1225G>A, p.Glu409Lys (NM_001364727.2); short protein forms E409K, E514K.
Identifiers: ClinVar variation 653631 (VCV000653631.5), dbSNP rs143976046, ClinGen allele CA508221.

ClinVar aggregate classification (germline): Uncertain significance. Review status: criteria provided, multiple submitters, no conflicts (2 of 4 stars). 2 submissions from 2 submitters: Uncertain significance (2). Last evaluated 2025-01-15.

Conditions:
Congenital myasthenic syndrome 8. Also called: MYASTHENIC SYNDROME, CONGENITAL, DUE TO AGRIN DEFICIENCY; Myasthenic syndrome, congenital, 8, with pre- and postsynaptic defects. Identifiers: Orphanet 590, MedGen C3808739, MONDO:0014052, OMIM 615120.

Allele frequency attached by ClinVar (database versions not stated): gnomAD exomes 0.00009 and 0.00016; ExAC 0.00020; gnomAD 0.00023 and 0.00026; TOPMed 0.00026; ESP Exome Variant Server 0.00039.
gnomAD v4.1: 184 of 1,608,802 alleles (0.011%); highest among the groups gnomAD compares: African/African-American, 0.051%; no homozygotes.

Submissions (2):

Labcorp Genetics (formerly Invitae), Labcorp
Classification: Uncertain significance for Congenital myasthenic syndrome 8. Last evaluated: 2025-01-15. Review status: criteria provided, single submitter. Criteria: Invitae Variant Classification Sherloc (09022015). Collection method: clinical testing. Allele origin: germline.
Comment: This sequence change replaces glutamic acid, which is acidic and polar, with lysine, which is basic and polar, at codon 514 of the AGRN protein (p.Glu514Lys). This variant is present in population databases (rs143976046, gnomAD 0.08%). This variant has not been reported in the literature in individuals affected with AGRN-related conditions. ClinVar contains an entry for this variant (Variation ID: 653631). An algorithm developed to predict the effect of missense changes on protein structure and function (PolyPhen-2) suggests that this variant is likely to be disruptive. In summary, the available evidence is currently insufficient to determine the role of this variant in disease. Therefore, it has been classified as a Variant of Uncertain Significance.

Breakthrough Genomics
Classification: Uncertain significance. Review status: criteria provided, single submitter. Criteria: ACMG Guidelines, 2015. Collection method: not provided. Allele origin: germline. Inheritance: Autosomal recessive inheritance. Affected: yes.